The following is an entry in ClinVar:

NM_000071.3(CBS):c.1361T>A (p.Val454Glu)

Gene: CBS (cystathionine beta-synthase; minus strand). Cytogenetic location: 21q22.3.
Variant type: single nucleotide variant.
Coding change: c.1361T>A on transcript NM_000071.3 (MANE Select); coding-DNA position 1361, T replaced by A.
Protein change: p.Val454Glu; replaces valine 454 with glutamic acid.
Molecular consequence: missense variant.
Genome position (GRCh38, 1-based): chr21:43,058,251, A>T on the plus strand (T>A on the coding strand, the complement: CBS is on the minus strand). VCF-style: chr21-43058251-A-T. GRCh37 (hg19) VCF-style: chr21-44478361-A-T.
Other names: c.1361T>A, p.Val454Glu (NM_001178008.3, NM_001178009.3, NM_001320298.2); c.1046T>A, p.Val349Glu (NM_001321072.1); short protein forms V349E, V454E.
Identifiers: ClinVar variation 2138391 (VCV002138391.4), dbSNP rs1398459455, ClinGen allele CA410396823.

ClinVar aggregate classification (germline): Likely pathogenic (1 of 4 stars; one submission).

Conditions:
HYPERHOMOCYSTEINEMIA, THROMBOTIC, CBS-RELATED. Identifiers: MedGen C3150344, OMIM 236200.

Submission:

Labcorp Genetics (formerly Invitae), Labcorp
Classification: Likely pathogenic for HYPERHOMOCYSTEINEMIA, THROMBOTIC, CBS-RELATED. Last evaluated: 2022-05-18. Review status: criteria provided, single submitter. Criteria: Invitae Variant Classification Sherloc (09022015). Collection method: clinical testing. Allele origin: germline.
Comment: This variant is not present in population databases (gnomAD no frequency). This sequence change replaces valine, which is neutral and non-polar, with glutamic acid, which is acidic and polar, at codon 454 of the CBS protein (p.Val454Glu). In summary, the currently available evidence indicates that the variant is pathogenic, but additional data are needed to prove that conclusively. Therefore, this variant has been classified as Likely Pathogenic. Experimental studies have shown that this missense change affects CBS function (PMID: 8528202). Algorithms developed to predict the effect of missense changes on protein structure and function (SIFT, PolyPhen-2, Align-GVGD) all suggest that this variant is likely to be tolerated. This variant is also known as T 1364 A (V455 E). This missense change has been observed in individual(s) with cystathionine beta-synthase (CBS) deficiency (PMID: 8528202). In at least one individual the data is consistent with being in trans (on the opposite chromosome) from a pathogenic variant.

Literature cited by the submitters: PubMed 8528202.